The following is an entry in ClinVar:

ClinVar aggregate classification (germline): Likely pathogenic (1 of 4 stars; one submission).

Conditions:
Bardet-Biedl syndrome 10 (BBS10). Identifiers: Orphanet 110, MedGen C1859568, MONDO:0014438, OMIM 615987.

Submission:

Natera, Inc.
Classification: Likely pathogenic for Bardet-Biedl syndrome type 10. Last evaluated: 2025-01-23. Review status: criteria provided, single submitter. Criteria: Natera Variant Classification Schema (03/2026). Collection method: clinical testing. Allele origin: germline.
Comment: The c.22_34delinsTC variant in BBS10 is a frameshift variant predicted to shift the reading frame beginning at codon 8 and leads to a stop codon 84 codons downstream. This variant is expected to result in nonsense mediated decay, truncation, or a dysfunctional protein product. This variant is rare in the general population with a frequency below the threshold expected for the associated phenotype(s). Given the available evidence, this variant is classified as Likely Pathogenic.

NM_024685.4(BBS10):c.22_34delinsTC (p.Ala8fs)

Gene: BBS10 (Bardet-Biedl syndrome 10; minus strand). Cytogenetic location: 12q21.2.
Variant type: Indel.
Coding change: c.22_34delinsTC on transcript NM_024685.4 (MANE Select); coding-DNA positions 22 to 34, GCAGGGTCTGTGA replaced by TC.
Protein change: p.Ala8fs; shifts the reading frame from alanine 8.
Molecular consequence: frameshift variant.
Genome position (GRCh38, 1-based): chr12:76,348,325-76,348,337, TCACAGACCCTGC replaced by GA on the plus strand (GCAGGGTCTGTGA replaced by TC on the coding strand, the reverse complement: BBS10 is on the minus strand). VCF-style: chr12-76348325-TCACAGACCCTGC-GA. GRCh37 (hg19) VCF-style: chr12-76742105-TCACAGACCCTGC-GA.
Other names: short protein forms A8fs.
Identifiers: ClinVar variation 4816161 (VCV004816161.1).
Genomic context (GRCh38, chr12:76,348,325, plus strand): 5'-CGGGCCCCACGCAGCAGCTCACGATGGCTTCCAGCACCTCGGCCACCTGCAACGCCGCCT[TCACAGACCCTGC>GA]AGCGGCCATAGAACTTAACATATCTGGGCCGCTTCCCCTTTTTGACCAGCTTGCAGAACA-3'